The following is an entry in ClinVar:

ClinVar aggregate classification (germline): Uncertain significance (1 of 4 stars; one submission).

Conditions:
Neurofibromatosis, type 1 (NF1). Also called: Neurofibromatosis, type I; Peripheral type neurofibromatosis; NEUROFIBROMATOSIS, TYPE I, SOMATIC; VON RECKLINGHAUSEN DISEASE. Identifiers: Orphanet 636, MedGen C0027831, MONDO:0018975, OMIM 162200. Disease mechanism: loss of function.

Submission:

Labcorp Genetics (formerly Invitae), Labcorp
Classification: Uncertain significance for Neurofibromatosis, type 1. Last evaluated: 2022-06-02. Review status: criteria provided, single submitter. Criteria: Invitae Variant Classification Sherloc (09022015). Collection method: clinical testing. Allele origin: germline.
Comment: This variant is not present in population databases (gnomAD no frequency). In summary, the available evidence is currently insufficient to determine the role of this variant in disease. Therefore, it has been classified as a Variant of Uncertain Significance. Advanced modeling of protein sequence and biophysical properties (such as structural, functional, and spatial information, amino acid conservation, physicochemical variation, residue mobility, and thermodynamic stability) performed at Invitae indicates that this missense variant is not expected to disrupt NF1 protein function. This variant has not been reported in the literature in individuals affected with NF1-related conditions. This sequence change replaces leucine, which is neutral and non-polar, with valine, which is neutral and non-polar, at codon 475 of the NF1 protein (p.Leu475Val).

NM_001042492.3(NF1):c.1423C>G (p.Leu475Val)

Gene: NF1 (neurofibromin 1; plus strand). Cytogenetic location: 17q11.2.
Variant type: single nucleotide variant.
Coding change: c.1423C>G on transcript NM_001042492.3 (MANE Select); coding-DNA position 1423, C replaced by G.
Protein change: p.Leu475Val; replaces leucine 475 with valine.
Molecular consequence: missense variant.
Genome position (GRCh38, 1-based): chr17:31,214,481, C>G. VCF-style: chr17-31214481-C-G. GRCh37 (hg19) VCF-style: chr17-29541499-C-G.
Other names: c.1423C>G, p.Leu475Val (NM_000267.4, NM_001128147.3); short protein forms L475V.
Identifiers: ClinVar variation 1996654 (VCV001996654.4), dbSNP rs2143959049, ClinGen allele CA399001476.